The following is an entry in ClinVar:

NM_018136.5(ASPM):c.3253C>G (p.Leu1085Val)

Gene: ASPM (assembly factor for spindle microtubules; minus strand). Cytogenetic location: 1q31.3.
Variant type: single nucleotide variant.
Coding change: c.3253C>G on transcript NM_018136.5 (MANE Select); coding-DNA position 3253, C replaced by G.
Protein change: p.Leu1085Val; replaces leucine 1085 with valine.
Molecular consequence: missense variant.
Genome position (GRCh38, 1-based): chr1:197,124,247, G>C on the plus strand (C>G on the coding strand, the complement: ASPM is on the minus strand). VCF-style: chr1-197124247-G-C. GRCh37 (hg19) VCF-style: chr1-197093377-G-C.
Other names: c.3253C>G, p.Leu1085Val (NM_001206846.2); short protein forms L1085V.
Identifiers: ClinVar variation 1444355 (VCV001444355.8), dbSNP rs540483849, ClinGen allele CA35884232.

ClinVar aggregate classification (germline): Uncertain significance (1 of 4 stars; one submission).

Submission:

Labcorp Genetics (formerly Invitae), Labcorp
Classification: Uncertain significance. Last evaluated: 2021-05-27. Review status: criteria provided, single submitter. Criteria: Invitae Variant Classification Sherloc (09022015). Collection method: clinical testing. Allele origin: germline.
Comment: This sequence change replaces leucine with valine at codon 1085 of the ASPM protein (p.Leu1085Val). The leucine residue is weakly conserved and there is a small physicochemical difference between leucine and valine. In summary, the available evidence is currently insufficient to determine the role of this variant in disease. Therefore, it has been classified as a Variant of Uncertain Significance. Algorithms developed to predict the effect of missense changes on protein structure and function (SIFT, PolyPhen-2, Align-GVGD) all suggest that this variant is likely to be tolerated, but these predictions have not been confirmed by published functional studies and their clinical significance is uncertain. This variant has not been reported in the literature in individuals with ASPM-related conditions. This variant is not present in population databases (ExAC no frequency).